The following is an entry in ClinVar:

NM_003072.5(SMARCA4):c.350C>A (p.Ser117Tyr)

Gene: SMARCA4 (SWI/SNF related BAF chromatin remodeling complex subunit ATPase 4; plus strand). Cytogenetic location: 19p13.2.
Variant type: single nucleotide variant.
Coding change: c.350C>A on transcript NM_003072.5 (MANE Select); coding-DNA position 350, C replaced by A.
Protein change: p.Ser117Tyr; replaces serine 117 with tyrosine.
Molecular consequence: missense variant. On other transcripts: non-coding transcript variant (1).
Genome position (GRCh38, 1-based): chr19:10,985,400, C>A. VCF-style: chr19-10985400-C-A. GRCh37 (hg19) VCF-style: chr19-11096076-C-A.
Other names: c.350C>A, p.Ser117Tyr (NM_001128844.3, NM_001128845.2, NM_001128846.2 and 6 more transcripts); short protein forms S117Y.
Identifiers: ClinVar variation 3958472 (VCV003958472.1).
Genomic context (GRCh38, chr19:10,985,400, plus strand): 5'-GGATGCGGTCAGGGGGCCATGCTGGGATGGGGCCCCCGCCCAGCCCCATGGACCAGCACT[C>A]CCAAGGTACAGAACTGCGTTCCTTCCTGCCTTGTGTTTGTCATACTCCAGAGTCCTCAGA-3'
Protein context (NP_003063.2, residues 107-127): GPPPSPMDQH[Ser117Tyr]QGYPSPLGGS

ClinVar aggregate classification (germline): Uncertain significance (1 of 4 stars; one submission).

Conditions:
Hereditary cancer-predisposing syndrome. Also called: Tumor predisposition; Hereditary neoplastic syndrome; Hereditary Cancer Syndrome; Neoplastic Syndromes, Hereditary. Identifiers: Orphanet 140162, MedGen C0027672, MeSH D009386, MONDO:0015356.

Submission:

Ambry Genetics
Classification: Uncertain significance for Hereditary cancer-predisposing syndrome. Last evaluated: 2025-05-19. Review status: criteria provided, single submitter. Criteria: Ambry Variant Classification Scheme 2023. Collection method: clinical testing. Allele origin: germline.
Comment: The p.S117Y variant (also known as c.350C>A), located in coding exon 2 of the SMARCA4 gene, results from a C to A substitution at nucleotide position 350. The serine at codon 117 is replaced by tyrosine, an amino acid with dissimilar properties. This amino acid position is conserved. In addition, the in silico prediction for this alteration is inconclusive. Based on the available evidence, the clinical significance of this variant remains unclear.